The following is an entry in ClinVar:

NM_014727.3(KMT2B):c.4507T>A (p.Ser1503Thr)

Gene: KMT2B (lysine methyltransferase 2B; plus strand). Cytogenetic location: 19q13.12.
Variant type: single nucleotide variant.
Coding change: c.4507T>A on transcript NM_014727.3 (MANE Select); coding-DNA position 4507, T replaced by A.
Protein change: p.Ser1503Thr; replaces serine 1503 with threonine.
Molecular consequence: missense variant.
Genome position (GRCh38, 1-based): chr19:35,728,107, T>A. VCF-style: chr19-35728107-T-A. GRCh37 (hg19) VCF-style: chr19-36219008-T-A.
Other names: short protein forms S1503T.
Identifiers: ClinVar variation 2634866 (VCV002634866.1), dbSNP rs2513339188, ClinGen allele CA405414399.

ClinVar aggregate classification (germline): Uncertain significance (1 of 4 stars; one submission).

Conditions:
KMT2B-related disorder. Also called: KMT2B-related condition; KMT2B-related disorders. Identifiers: MedGen CN381338.

Submission:

PreventionGenetics, part of Exact Sciences
Classification: Uncertain significance for KMT2B-related condition. Last evaluated: 2023-08-17. Review status: criteria provided, single submitter. Criteria: ACMG Guidelines, 2015. Collection method: clinical testing. Allele origin: germline.
Comment: The KMT2B c.4507T>A variant is predicted to result in the amino acid substitution p.Ser1503Thr. To our knowledge, this variant has not been reported in the literature or in a large population database, indicating this variant is rare. At this time, the clinical significance of this variant is uncertain due to the absence of conclusive functional and genetic evidence.